The following is an entry in ClinVar:

NM_006755.2(TALDO1):c.475C>G (p.Gln159Glu)

Genes: TALDO1 (transaldolase 1; plus strand), LOC126861110 (CDK7 strongly-dependent group 2 enhancer GRCh37_chr11:762588-763787; plus strand). Cytogenetic location: 11p15.5.
Variant type: single nucleotide variant.
Coding change: c.475C>G on transcript NM_006755.2 (MANE Select); coding-DNA position 475, C replaced by G.
Protein change: p.Gln159Glu; replaces glutamine 159 with glutamic acid.
Molecular consequence: missense variant.
Genome position (GRCh38, 1-based): chr11:763,357, C>G. VCF-style: chr11-763357-C-G. GRCh37 (hg19) VCF-style: chr11-763357-C-G.
Other names: short protein forms Q159E.
Identifiers: ClinVar variation 306132 (VCV000306132.8), dbSNP rs144914498, ClinGen allele CA5788183.
Genomic context (GRCh38, chr11:763,357, plus strand): 5'-TGTCCCCGCCCTCACCTGCCCCGCCCTCACCTGTCCCCGCCCCGCAGGGAGCTCGAGGAG[C>G]AGCACGGCATCCACTGCAACATGACGTTACTCTTCTCCTTCGCCCAGGCTGTGGCCTGTG-3'
Protein context (NP_006746.1, residues 149-169): GIQAGKELEE[Gln159Glu]HGIHCNMTLL

ClinVar aggregate classification (germline): Uncertain significance. Review status: criteria provided, multiple submitters, no conflicts (2 of 4 stars). 3 submissions from 3 submitters: Uncertain significance (3). Last evaluated 2025-05-14.

Conditions:
TALDO1-related disorder. Also called: TALDO1-related condition.
Deficiency of transaldolase. Also called: EYAID SYNDROME. Identifiers: Orphanet 101028, MedGen C1291329, MONDO:0011624, OMIM 606003.

Allele frequency attached by ClinVar (database versions not stated): ExAC 0.00012; TOPMed 0.00012; gnomAD exomes 0.00018 and 0.00011; ESP Exome Variant Server 0.00023; gnomAD 0.00008.

Submissions (3):

PreventionGenetics, part of Exact Sciences
Classification: Uncertain significance for TALDO1-related condition. Last evaluated: 2025-05-14. Review status: criteria provided, single submitter. Criteria: ACMG Guidelines, 2015. Collection method: clinical testing. Allele origin: germline.
Comment: The TALDO1 c.475C>G variant is predicted to result in the amino acid substitution p.Gln159Glu. To our knowledge, this variant has not been reported in the literature. This variant is reported in 0.020% of alleles in individuals of European (Non-Finnish) descent in gnomAD. At this time, the clinical significance of this variant is uncertain due to the absence of conclusive functional and genetic evidence.

Labcorp Genetics (formerly Invitae), Labcorp
Classification: Uncertain significance. Last evaluated: 2022-05-27. Review status: criteria provided, single submitter. Criteria: Invitae Variant Classification Sherloc (09022015). Collection method: clinical testing. Allele origin: germline.
Comment: This sequence change replaces glutamine, which is neutral and polar, with glutamic acid, which is acidic and polar, at codon 159 of the TALDO1 protein (p.Gln159Glu). This variant is present in population databases (rs144914498, gnomAD 0.02%). This variant has not been reported in the literature in individuals affected with TALDO1-related conditions. ClinVar contains an entry for this variant (Variation ID: 306132). Algorithms developed to predict the effect of missense changes on protein structure and function output the following: SIFT: "Tolerated"; PolyPhen-2: "Benign"; Align-GVGD: "Class C0". The glutamic acid amino acid residue is found in multiple mammalian species, which suggests that this missense change does not adversely affect protein function. In summary, the available evidence is currently insufficient to determine the role of this variant in disease. Therefore, it has been classified as a Variant of Uncertain Significance.

Illumina Laboratory Services, Illumina
Classification: Uncertain significance for Deficiency of transaldolase. Last evaluated: 2018-01-13. Review status: criteria provided, single submitter. Criteria: ICSL Variant Classification Criteria 13 December 2019. Collection method: clinical testing. Allele origin: germline.